The following is an entry in ClinVar:

ClinVar aggregate classification (germline): Uncertain significance (1 of 4 stars; one submission).

Conditions:
STAT5B-related disorder. Also called: STAT5B-related condition.

Allele frequency attached by ClinVar (database versions not stated): gnomAD exomes below 0.00001.
gnomAD v4.1: 1 of 1,613,992 alleles (0.000062%); highest among the groups gnomAD compares: Non-Finnish European, 0.000085%; no homozygotes.

Submission:

PreventionGenetics, part of Exact Sciences
Classification: Uncertain significance for STAT5B-related condition. Last evaluated: 2025-07-10. Review status: criteria provided, single submitter. Criteria: ACMG Guidelines, 2015. Collection method: clinical testing. Allele origin: germline.
Comment: The STAT5B c.1430A>G variant is predicted to result in the amino acid substitution p.Asn477Ser. To our knowledge, this variant has not been reported in the literature or in a large population database (gnomAD), indicating it is rare. Although we suspect that this variant may be pathogenic, at this time, the clinical significance of this variant is uncertain due to the absence of conclusive functional and genetic evidence.

NM_012448.4(STAT5B):c.1430A>G (p.Asn477Ser)

Gene: STAT5B (signal transducer and activator of transcription 5B; minus strand). Cytogenetic location: 17q21.2.
Variant type: single nucleotide variant.
Coding change: c.1430A>G on transcript NM_012448.4 (MANE Select); coding-DNA position 1430, A replaced by G.
Protein change: p.Asn477Ser; replaces asparagine 477 with serine.
Molecular consequence: missense variant.
Genome position (GRCh38, 1-based): chr17:42,216,057, T>C on the plus strand (A>G on the coding strand, the complement: STAT5B is on the minus strand). VCF-style: chr17-42216057-T-C. GRCh37 (hg19) VCF-style: chr17-40368075-T-C.
Other names: short protein forms N477S.
Identifiers: ClinVar variation 3061501 (VCV003061501.3), dbSNP rs2144237225, ClinGen allele CA399580688.